The following is an entry in ClinVar:

ClinVar aggregate classification (germline): Benign. Review status: criteria provided, multiple submitters, no conflicts (2 of 4 stars). 4 submissions from 4 submitters: Benign (4). Last evaluated 2018-06-19.

Allele frequency attached by ClinVar (database versions not stated): 1000 Genomes Project 0.07987; 1000 Genomes Project 30x 0.08182; gnomAD exomes 0.12041 and 0.16841; gnomAD 0.12210 and 0.12352; TOPMed 0.12291; ESP Exome Variant Server 0.14739; ExAC 0.12490.
gnomAD v4.1: 263,172 of 1,609,124 alleles (16%); highest among the groups gnomAD compares: Non-Finnish European, 19%; 24,245 homozygotes.

Submissions (4):

GeneDx
Classification: Benign. Last evaluated: 2018-06-19. Review status: criteria provided, single submitter. Criteria: GeneDx Variant Classification (06012015). Collection method: clinical testing. Allele origin: germline. Affected: yes.
Comment: This variant is considered likely benign or benign based on one or more of the following criteria: it is a conservative change, it occurs at a poorly conserved position in the protein, it is predicted to be benign by multiple in silico algorithms, and/or has population frequency not consistent with disease.

Eurofins Ntd Llc (ga)
Classification: Benign. Last evaluated: 2012-11-16. Review status: criteria provided, single submitter. Criteria: EGL Classification Definitions 2015. Collection method: clinical testing. Allele origin: germline. Observed: 7 variant alleles, 7 heterozygotes.

Breakthrough Genomics
Classification: Benign. Review status: criteria provided, single submitter. Criteria: ACMG Guidelines, 2015. Collection method: not provided. Allele origin: germline. Inheritance: Autosomal recessive inheritance. Affected: yes.

PreventionGenetics, part of Exact Sciences
Classification: Benign. Review status: criteria provided, single submitter. Criteria: ACMG Guidelines, 2015. Collection method: clinical testing. Allele origin: germline.

NM_001849.4(COL6A2):c.1522-36T>C

Gene: COL6A2 (collagen type VI alpha 2 chain; plus strand). Cytogenetic location: 21q22.3.
Variant type: single nucleotide variant.
Coding change: c.1522-36T>C on transcript NM_001849.4 (MANE Select); 36 bases into the intron before coding-DNA position 1522, T replaced by C.
Molecular consequence: intron variant.
Genome position (GRCh38, 1-based): chr21:46,122,072, T>C. VCF-style: chr21-46122072-T-C. GRCh37 (hg19) VCF-style: chr21-47541986-T-C.
Other names: c.1522-36T>C (NM_058175.3, NM_058174.3).
Identifiers: ClinVar variation 93910 (VCV000093910.7), dbSNP rs9976026, ClinGen allele CA147432.
Genomic context (GRCh38, chr21:46,122,072, plus strand): 5'-TTCCACCCCAGTGTGCACCTTGCGCCCTGTTGAGCACAGCCCCCCAGCCCCACCCCGTCC[T>C]ATGACCATGCTGACCGACTCAACGTCCTCCTCCAGGGAGACCCCGGCAGGCCTGGATTCA-3'